The following is an entry in ClinVar:

ClinVar aggregate classification (germline): Pathogenic (1 of 4 stars; one submission).

Conditions:
Periodontitis, aggressive. Identifiers: MedGen C0031106, MONDO:0980757.
Haim-Munk syndrome (HMS). Also called: COCHIN JEWISH DISORDER; KERATOSIS PALMOPLANTARIS WITH PERIODONTOPATHIA AND ONYCHOGRYPOSIS. Identifiers: Orphanet 2342, MedGen C1855627, MONDO:0009491, OMIM 245010.
Papillon-Lefèvre syndrome (PALS). Also called: KERATOSIS PALMOPLANTARIS WITH PERIODONTOPATHIA; Papillon-Lefevre Disease. Identifiers: Orphanet 678, MedGen C0030360, MONDO:0009490, OMIM 245000.

Submission:

Labcorp Genetics (formerly Invitae), Labcorp
Classification: Pathogenic for Haim-Munk syndrome; Periodontitis, aggressive; Papillon-Lefèvre syndrome. Last evaluated: 2023-12-19. Review status: criteria provided, single submitter. Criteria: Invitae Variant Classification Sherloc (09022015). Collection method: clinical testing. Allele origin: unknown.
Comment: A gross deletion of the genomic region encompassing the full coding sequence of the CTSC gene has been identified. Loss-of-function variants in CTSC are known to be pathogenic (PMID: 10662808, 11106356, 11886537). The boundaries of this event are unknown as they extend beyond the assayed region for this gene and therefore may encompass additional genes. A similar copy number variant has been observed in individual(s) with CTSC-related conditions (PMID: 23556547). For these reasons, this variant has been classified as Pathogenic.

Literature cited by the submitters: PubMed 10662808; PubMed 11106356; PubMed 11886537; PubMed 23556547.

NC_000011.9:g.(?_88027174)_(88070840_?)del

Gene: CTSC (cathepsin C; minus strand). Cytogenetic location: 11q14.2.
Variant type: Deletion.
Identifiers: ClinVar variation 3244628 (VCV003244628.1).